The following is an entry in ClinVar:

NM_012144.4(DNAI1):c.419A>T (p.Glu140Val)

Gene: DNAI1 (dynein axonemal intermediate chain 1; plus strand). Cytogenetic location: 9p13.3.
Variant type: single nucleotide variant.
Coding change: c.419A>T on transcript NM_012144.4 (MANE Select); coding-DNA position 419, A replaced by T.
Protein change: p.Glu140Val; replaces glutamic acid 140 with valine.
Molecular consequence: missense variant.
Genome position (GRCh38, 1-based): chr9:34,490,042, A>T. VCF-style: chr9-34490042-A-T. GRCh37 (hg19) VCF-style: chr9-34490040-A-T.
Other names: c.431A>T, p.Glu144Val (NM_001281428.2); short protein forms E144V, E140V.
Identifiers: ClinVar variation 2150968 (VCV002150968.1), dbSNP rs779195390, ClinGen allele CA5034051.
Genomic context (GRCh38, chr9:34,490,042, plus strand): 5'-CTTTGAACTCATTGGCAGTATCCTACCAAGGTTCTCAGGAGTCTGTCAAGGTGATTTCAG[A>T]AACAGGAAACCTCGAAGAAGACGAAGAGCCCAAGGAGTTAGAAACTGAGCCTGGGAGTCA-3'
Protein context (NP_036276.1, residues 130-150): GSQESVKVIS[Glu140Val]TGNLEEDEEP

ClinVar aggregate classification (germline): Uncertain significance (1 of 4 stars; one submission).

Conditions:
Primary ciliary dyskinesia. Also called: Ciliary dyskinesia. Identifiers: Orphanet 244, MedGen C0008780, MONDO:0016575, HP:0012265.

Allele frequency attached by ClinVar (database versions not stated): gnomAD 0.00001; gnomAD exomes 0.00002; ExAC 0.00003.
gnomAD v4.1: 30 of 1,614,092 alleles (0.0019%); highest among the groups gnomAD compares: South Asian, 0.021%; no homozygotes.

Submission:

Labcorp Genetics (formerly Invitae), Labcorp
Classification: Uncertain significance for Primary ciliary dyskinesia. Last evaluated: 2022-08-09. Review status: criteria provided, single submitter. Criteria: Invitae Variant Classification Sherloc (09022015). Collection method: clinical testing. Allele origin: germline.
Comment: This sequence change replaces glutamic acid, which is acidic and polar, with valine, which is neutral and non-polar, at codon 140 of the DNAI1 protein (p.Glu140Val). This variant is present in population databases (rs779195390, gnomAD 0.02%). This variant has not been reported in the literature in individuals affected with DNAI1-related conditions. Algorithms developed to predict the effect of missense changes on protein structure and function are either unavailable or do not agree on the potential impact of this missense change (SIFT: "Deleterious"; PolyPhen-2: "Benign"; Align-GVGD: "Class C0"). In summary, the available evidence is currently insufficient to determine the role of this variant in disease. Therefore, it has been classified as a Variant of Uncertain Significance.